The following is an entry in ClinVar:

NM_017819.4(TRMT10C):c.410A>G (p.Tyr137Cys)

Gene: TRMT10C (tRNA methyltransferase 10C, mitochondrial RNase P subunit; plus strand). Cytogenetic location: 3q12.3.
Variant type: single nucleotide variant.
Coding change: c.410A>G on transcript NM_017819.4 (MANE Select); coding-DNA position 410, A replaced by G.
Protein change: p.Tyr137Cys; replaces tyrosine 137 with cysteine.
Molecular consequence: missense variant.
Genome position (GRCh38, 1-based): chr3:101,565,191, A>G. VCF-style: chr3-101565191-A-G. GRCh37 (hg19) VCF-style: chr3-101284035-A-G.
Other names: short protein forms Y137C.
Identifiers: ClinVar variation 4706124 (VCV004706124.1).

ClinVar aggregate classification (germline): Uncertain significance (1 of 4 stars; one submission).

gnomAD v4.1: 17 of 1,574,990 alleles (0.0011%); highest among the groups gnomAD compares: East Asian, 0.037%; no homozygotes.

Submission:

Labcorp Genetics (formerly Invitae), Labcorp
Classification: Uncertain significance. Last evaluated: 2025-04-15. Review status: criteria provided, single submitter. Criteria: Invitae Variant Classification Sherloc (09022015). Collection method: clinical testing. Allele origin: germline.
Comment: This sequence change replaces tyrosine, which is neutral and polar, with cysteine, which is neutral and slightly polar, at codon 137 of the TRMT10C protein (p.Tyr137Cys). The frequency data for this variant in the population databases is considered unreliable, as metrics indicate poor data quality at this position in the gnomAD database. This variant has not been reported in the literature in individuals affected with TRMT10C-related conditions. Invitae Evidence Modeling of protein sequence and biophysical properties (such as structural, functional, and spatial information, amino acid conservation, physicochemical variation, residue mobility, and thermodynamic stability) indicates that this missense variant is not expected to disrupt TRMT10C protein function with a negative predictive value of 80%. In summary, the available evidence is currently insufficient to determine the role of this variant in disease. Therefore, it has been classified as a Variant of Uncertain Significance.